The following is an entry in ClinVar:

ClinVar aggregate classification (germline): Benign. Review status: criteria provided, single submitter (1 of 4 stars). 2 submissions from 2 submitters: Benign (1). 1 of the submissions does not count toward it. Last evaluated 2025-12-19.

Conditions:
DYRK1B-related disorder. Also called: DYRK1B-related condition.

Allele frequency attached by ClinVar (database versions not stated): ESP Exome Variant Server 0.00023; gnomAD 0.00023; 1000 Genomes Project 30x 0.00016; TOPMed 0.00019; 1000 Genomes Project 0.00020; ExAC 0.00068; gnomAD exomes 0.00038.
gnomAD v4.1: 592 of 1,614,210 alleles (0.037%); highest among the groups gnomAD compares: South Asian, 0.29%; 6 homozygotes.

Submissions (2):

Labcorp Genetics (formerly Invitae), Labcorp
Classification: Benign. Last evaluated: 2025-12-19. Review status: criteria provided, single submitter. Criteria: Invitae Variant Classification Sherloc (09022015). Collection method: clinical testing. Allele origin: germline.

PreventionGenetics, part of Exact Sciences
Classification: Likely benign for DYRK1B-related condition. Last evaluated: 2021-06-07. Review status: no assertion criteria provided. Collection method: clinical testing. Allele origin: germline. Not counted in ClinVar's aggregate classification.
Comment: This variant is classified as likely benign based on ACMG/AMP sequence variant interpretation guidelines (Richards et al. 2015 PMID: 25741868, with internal and published modifications).

NM_004714.3(DYRK1B):c.291T>C (p.His97=)

Gene: DYRK1B (dual specificity tyrosine phosphorylation regulated kinase 1B; minus strand). Cytogenetic location: 19q13.2.
Variant type: single nucleotide variant.
Coding change: c.291T>C on transcript NM_004714.3 (MANE Select); coding-DNA position 291, T replaced by C.
Protein change: p.His97=; no amino-acid change (histidine 97 retained).
Molecular consequence: synonymous variant.
Genome position (GRCh38, 1-based): chr19:39,830,456, A>G on the plus strand (T>C on the coding strand, the complement: DYRK1B is on the minus strand). VCF-style: chr19-39830456-A-G. GRCh37 (hg19) VCF-style: chr19-40321096-A-G.
Other names: c.291T>C, p.His97= (NM_006483.3, NM_006484.3); c.291T>C (NM_004714.2).
Identifiers: ClinVar variation 2701211 (VCV002701211.5), dbSNP rs149848740, ClinGen allele CA9434370.